The following is an entry in ClinVar:

NM_001085487.3(MYSM1):c.1352C>T (p.Thr451Ile)

Gene: MYSM1 (Myb like, SWIRM and MPN domains 1; minus strand). Cytogenetic location: 1p32.1.
Variant type: single nucleotide variant.
Coding change: c.1352C>T on transcript NM_001085487.3 (MANE Select); coding-DNA position 1352, C replaced by T.
Protein change: p.Thr451Ile; replaces threonine 451 with isoleucine.
Molecular consequence: missense variant.
Genome position (GRCh38, 1-based): chr1:58,676,964, G>A on the plus strand (C>T on the coding strand, the complement: MYSM1 is on the minus strand). VCF-style: chr1-58676964-G-A. GRCh37 (hg19) VCF-style: chr1-59142636-G-A.
Other names: short protein forms T451I.
Identifiers: ClinVar variation 1953302 (VCV001953302.5), dbSNP rs1236428340, ClinGen allele CA340521675.
Genomic context (GRCh38, chr1:58,676,964, plus strand): 5'-GTTGTTGGGTTTTTATTTTTACCACATCCAAAATTGATTGCTCCTATCAATTCGAGGTAT[G>A]TATGAATCCGTCCAATACAATTAACATCTCCACAGTTCTTCAGGCCAGGACGTACTGAGG-3'
Protein context (NP_001078956.1, residues 441-461): GDVNCIGRIH[Thr451Ile]YLELIGAINF

ClinVar aggregate classification (germline): Uncertain significance (1 of 4 stars; one submission).

Allele frequency attached by ClinVar (database versions not stated): TOPMed below 0.00001; gnomAD 0.00001.
gnomAD v4.1: 2 of 1,612,428 alleles (0.00012%); highest among the groups gnomAD compares: African/African-American, 0.0027%; no homozygotes.

Submission:

Labcorp Genetics (formerly Invitae), Labcorp
Classification: Uncertain significance. Last evaluated: 2022-08-22. Review status: criteria provided, single submitter. Criteria: Invitae Variant Classification Sherloc (09022015). Collection method: clinical testing. Allele origin: germline.
Comment: In summary, the available evidence is currently insufficient to determine the role of this variant in disease. Therefore, it has been classified as a Variant of Uncertain Significance. Algorithms developed to predict the effect of missense changes on protein structure and function are either unavailable or do not agree on the potential impact of this missense change (SIFT: "Deleterious"; PolyPhen-2: "Probably Damaging"; Align-GVGD: "Class C15"). This variant has not been reported in the literature in individuals affected with MYSM1-related conditions. This variant is not present in population databases (gnomAD no frequency). This sequence change replaces threonine, which is neutral and polar, with isoleucine, which is neutral and non-polar, at codon 451 of the MYSM1 protein (p.Thr451Ile).